The following is an entry in ClinVar:

ClinVar aggregate classification (germline): Uncertain significance (1 of 4 stars; one submission).

gnomAD v4.1: 1 of 1,613,930 alleles (0.000062%); highest among the groups gnomAD compares: Non-Finnish European, 0.000085%; no homozygotes.

Submission:

CeGaT Center for Human Genetics Tuebingen
Classification: Uncertain significance. Last evaluated: 2025-12-01. Review status: criteria provided, single submitter. Criteria: CeGaT Center For Human Genetics Tuebingen Variant Classification Criteria Version 2. Collection method: clinical testing. Allele origin: germline. Affected: yes. Observed: 1 variant allele.
Comment: AUTS2: PM2, BP4

NM_015570.4(AUTS2):c.506C>A (p.Pro169Gln)

Gene: AUTS2 (activator of transcription and developmental regulator AUTS2; plus strand). Cytogenetic location: 7q11.22.
Variant type: single nucleotide variant.
Coding change: c.506C>A on transcript NM_015570.4 (MANE Select); coding-DNA position 506, C replaced by A.
Protein change: p.Pro169Gln; replaces proline 169 with glutamine.
Molecular consequence: missense variant.
Genome position (GRCh38, 1-based): chr7:69,899,482, C>A. VCF-style: chr7-69899482-C-A. GRCh37 (hg19) VCF-style: chr7-69364468-C-A.
Other names: c.506C>A, p.Pro169Gln (NM_001127231.3, NM_001127232.3); short protein forms P169Q.
Identifiers: ClinVar variation 4681950 (VCV004681950.5).